The following is an entry in ClinVar:

ClinVar aggregate classification (germline): Uncertain significance (1 of 4 stars; one submission).

Allele frequency attached by ClinVar (database versions not stated): ExAC 0.00001.

Submission:

Labcorp Genetics (formerly Invitae), Labcorp
Classification: Uncertain significance. Last evaluated: 2022-06-25. Review status: criteria provided, single submitter. Criteria: Invitae Variant Classification Sherloc (09022015). Collection method: clinical testing. Allele origin: germline.
Comment: This sequence change replaces aspartic acid, which is acidic and polar, with asparagine, which is neutral and polar, at codon 104 of the IMPAD1 protein (p.Asp104Asn). This variant is present in population databases (rs772766265, gnomAD 0.007%). This variant has not been reported in the literature in individuals affected with IMPAD1-related conditions. Algorithms developed to predict the effect of missense changes on protein structure and function are either unavailable or do not agree on the potential impact of this missense change (SIFT: "Deleterious"; PolyPhen-2: "Benign"; Align-GVGD: "Class C0"). In summary, the available evidence is currently insufficient to determine the role of this variant in disease. Therefore, it has been classified as a Variant of Uncertain Significance.

NM_017813.5(BPNT2):c.310G>A (p.Asp104Asn)

Gene: BPNT2 (3'(2'), 5'-bisphosphate nucleotidase 2; minus strand). Cytogenetic location: 8q12.1.
Variant type: single nucleotide variant.
Coding change: c.310G>A on transcript NM_017813.5 (MANE Select); coding-DNA position 310, G replaced by A.
Protein change: p.Asp104Asn; replaces aspartic acid 104 with asparagine.
Molecular consequence: missense variant.
Genome position (GRCh38, 1-based): chr8:56,993,276, C>T on the plus strand (G>A on the coding strand, the complement: BPNT2 is on the minus strand). VCF-style: chr8-56993276-C-T. GRCh37 (hg19) VCF-style: chr8-57905835-C-T.
Other names: short protein forms D104N.
Identifiers: ClinVar variation 1964409 (VCV001964409.5), dbSNP rs772766265, ClinGen allele CA4755956.